The following is an entry in ClinVar:

ClinVar aggregate classification (germline): Benign (1 of 4 stars; one submission).

Allele frequency attached by ClinVar (database versions not stated): TOPMed 0.93315; gnomAD 0.93469 and 0.93518; 1000 Genomes Project 0.93670; 1000 Genomes Project 30x 0.93723.
gnomAD v4.1: 142,472 of 152,318 alleles (94%); highest among the groups gnomAD compares: South Asian, 95%; 66,661 homozygotes.

Submission:

GeneDx
Classification: Benign. Last evaluated: 2018-06-19. Review status: criteria provided, single submitter. Criteria: GeneDx Variant Classification (06012015). Collection method: clinical testing. Allele origin: germline. Affected: yes.
Comment: This variant is considered likely benign or benign based on one or more of the following criteria: it is a conservative change, it occurs at a poorly conserved position in the protein, it is predicted to be benign by multiple in silico algorithms, and/or has population frequency not consistent with disease.

NM_001103.4(ACTN2):c.1975-314T>C

Gene: ACTN2 (actinin alpha 2; plus strand). Cytogenetic location: 1q43.
Variant type: single nucleotide variant.
Coding change: c.1975-314T>C on transcript NM_001103.4 (MANE Select); 314 bases into the intron before coding-DNA position 1975, T replaced by C.
Molecular consequence: intron variant.
Genome position (GRCh38, 1-based): chr1:236,754,705, T>C. VCF-style: chr1-236754705-T-C. GRCh37 (hg19) VCF-style: chr1-236918005-T-C.
Other names: c.1351-314T>C (NM_001278344.2); c.1975-314T>C (NM_001278343.2).
Identifiers: ClinVar variation 682681 (VCV000682681.1), dbSNP rs2297861, ClinGen allele CA10976515.
Genomic context (GRCh38, chr1:236,754,705, plus strand): 5'-CTTCAATCTGTCTGGCAGCTCCACCCAGGCAGCCCACCCCCAGCCTCCTCCAGAGCAGGG[T>C]AGCTCTGCCCGAGGGCGTTTCCTTCCCACAGCAAGAAGCTGAAGGACTTATCTCTGACCC-3'